The following is an entry in ClinVar:

NM_000372.5(TYR):c.656A>T (p.Glu219Val)

Gene: TYR (tyrosinase; plus strand). Cytogenetic location: 11q14.3.
Variant type: single nucleotide variant.
Coding change: c.656A>T on transcript NM_000372.5 (MANE Select); coding-DNA position 656, A replaced by T.
Protein change: p.Glu219Val; replaces glutamic acid 219 with valine.
Molecular consequence: missense variant.
Genome position (GRCh38, 1-based): chr11:89,178,609, A>T. VCF-style: chr11-89178609-A-T. GRCh37 (hg19) VCF-style: chr11-88911777-A-T.
Other names: short protein forms E219V.
Identifiers: ClinVar variation 4077109 (VCV004077109.1).
Genomic context (GRCh38, chr11:89,178,609, plus strand): 5'-ATTTTGCCCATGAAGCACCAGCTTTTCTGCCTTGGCATAGACTCTTCTTGTTGCGGTGGG[A>T]ACAAGAAATCCAGAAGCTGACAGGAGATGAAAACTTCACTATTCCATATTGGGACTGGCG-3'
Protein context (NP_000363.1, residues 209-229): PWHRLFLLRW[Glu219Val]QEIQKLTGDE

ClinVar aggregate classification (germline): Likely pathogenic (1 of 4 stars; one submission).

Conditions:
Oculocutaneous albinism type 1B (OCA1B). Also called: ALBINISM, OCULOCUTANEOUS, TYPE IB; ALBINISM, YELLOW MUTANT TYPE; YELLOW ALBINISM. Identifiers: Orphanet 352731, Orphanet 352737, Orphanet 79434, MedGen C1847024, MONDO:0011749, OMIM 606952.
Oculocutaneous albinism type 1A (OCA1A). Also called: Albinism, oculocutaneous, type IA. Identifiers: Orphanet 352731, Orphanet 79431, MedGen C4551504, MONDO:0008745, OMIM 203100. Disease mechanism: loss of function.

Submission:

Laboratory of Genetic Epidemiology, Research Centre for Medical Genetics
Classification: Likely pathogenic for Oculocutaneous albinism type 1A; Oculocutaneous albinism type 1B. Last evaluated: 2025-01-01. Review status: criteria provided, single submitter. Criteria: ACMG Guidelines, 2015. Collection method: clinical testing. Allele origin: paternal. Inheritance: Autosomal recessive inheritance. Affected: yes. Observed: 1 compound heterozygote.
Comment: The missense variant NM_000372.5:c.656A>T, p.(Glu219Val) was identified in a compound heterozygous state in two probands diagnosed with albinism. This variant has not been previously reported in the literature and is not listed in gnomAD v3.1.2. However another missense variant is reported in the same position NM_000372.5(TYR):c.656A>C p.(Glu219Ala). The affected amino acid position is evolutionarily conserved and located in highly conservative residue that is important for maintaining a three -dimensional structure (Glu219) (PMID: 12028580). Multiple in silico prediction tools support a deleterious effect. Taken together, the variant meets the following ACMG/AMP criteria and can be classified as likely pathogenic with PM2, PP3, PM3, PP5, PP4 criteria.

Literature cited by the submitters: PubMed 12028580; PubMed 41428507.